The following is an entry in ClinVar:

NM_001384732.1(CPLANE1):c.7400+1G>A

Gene: CPLANE1 (ciliogenesis and planar polarity effector complex subunit 1; minus strand). Cytogenetic location: 5p13.2.
Variant type: single nucleotide variant.
Coding change: c.7400+1G>A on transcript NM_001384732.1 (MANE Select); the canonical splice donor site of the intron after coding-DNA position 7400, G replaced by A.
Molecular consequence: splice donor variant.
Genome position (GRCh38, 1-based): chr5:37,167,046, C>T on the plus strand (G>A on the coding strand, the complement: CPLANE1 is on the minus strand). VCF-style: chr5-37167046-C-T. GRCh37 (hg19) VCF-style: chr5-37167148-C-T.
Other names: NC_000005.9:g.37167148C>T; IVS35DS, G-A, +1; c.7400+1G>A (NM_023073.4).
Identifiers: ClinVar variation 31220 (VCV000031220.14), dbSNP rs367543062, ClinGen allele CA342792.
Genomic context (GRCh38, chr5:37,167,046, plus strand): 5'-TAAATAATAATGAACTTGCTGATATATGATATTATCAAATAAAATTTCACTTAAGCCTTG[C>T]CTTTTTTTACTGTCCTTTCCTTGTCTTACTTCAGGTGGTTCTATTTTGACCTTTAGAAGT-3'

ClinVar aggregate classification (germline): Pathogenic. Review status: criteria provided, multiple submitters, no conflicts (2 of 4 stars). 7 submissions from 7 submitters: Pathogenic (5). 2 of the submissions do not count toward it. Last evaluated 2024-09-03.

Conditions:
C5ORF42 & CPLANE1-related disorders.
Joubert syndrome and related disorders. Identifiers: Orphanet 140874, MedGen C5679612, MONDO:0015369.
Joubert syndrome 17 (JBTS17). Identifiers: Orphanet 475, MedGen C3553264, MONDO:0013824, OMIM 614615.
Orofaciodigital syndrome type 6 (OFD6). Also called: Oral-facial-digital syndrome type 6; Central polydactyly cleft lip/palate or lingual lump and psychomotor retardation; Y-shaped central metacarpal and cerebellar defect; Joubert syndrome with orofacialdigital anomalies; OROFACIODIGITAL SYNDROME VI; OFDS VI. Identifiers: Orphanet 2754, MedGen C2745997, MONDO:0010176, OMIM 277170.

Allele frequency attached by ClinVar (database versions not stated): gnomAD exomes 0.00002 and 0.00001; TOPMed below 0.00001; ExAC 0.00001.
gnomAD v4.1: 9 of 1,603,248 alleles (0.00056%); highest among the groups gnomAD compares: Non-Finnish European, 0.00076%; no homozygotes.

Submissions (8):

GeneDx
Classification: Pathogenic. Last evaluated: 2024-09-03. Review status: criteria provided, single submitter. Criteria: GeneDx Variant Classification Process June 2021. Collection method: clinical testing. Allele origin: germline. Affected: yes.
Comment: Canonical splice site variant demonstrated to cause skipping of exon 35 resulting in the creation of a premature stop codon in a gene for which loss of function is a known mechanism of disease (PMID: 22425360); Not observed at significant frequency in large population cohorts (gnomAD); This variant is associated with the following publications: (PMID: 30029678, 22425360)

Women's Health and Genetics/Laboratory Corporation of America, LabCorp
Classification: Pathogenic for Joubert syndrome and related disorders. Last evaluated: 2024-03-26. Review status: criteria provided, single submitter. Criteria: LabCorp Variant Classification Summary - May 2015. Collection method: clinical testing. Allele origin: germline.
Comment: Variant summary: CPLANE1 c.7400+1G>A is located in a canonical splice-site and is predicted to affect mRNA splicing resulting in a significantly altered protein due to either exon skipping, shortening, or inclusion of intronic material. The variant allele was found at a frequency of 1.2e-05 in 240714 control chromosomes. c.7400+1G>A has been reported in the literature in multiple compound heterozygous individuals affected with Joubert Syndrome And Related Disorders (e.g., Srour_2012). These data indicate that the variant is very likely to be associated with disease. The following publication have been ascertained in the context of this evaluation (PMID: 22425360). ClinVar contains an entry for this variant (Variation ID: 31220). Based on the evidence outlined above, the variant was classified as pathogenic.

Blueprint Genetics
Classification: Pathogenic for C5ORF42 & CPLANE1-related disorders. Last evaluated: 2023-05-04. Review status: criteria provided, single submitter. Criteria: ACMG Guidelines, 2015. Collection method: clinical testing. Allele origin: germline. Affected: yes. Observed: 5 variant alleles.

Fulgent Genetics
Classification: Pathogenic for Orofaciodigital syndrome type 6; Joubert syndrome 17. Last evaluated: 2018-10-31. Review status: criteria provided, single submitter. Criteria: ACMG Guidelines, 2015. Collection method: clinical testing. Allele origin: unknown.

Genetic Services Laboratory, University of Chicago
Classification: Pathogenic for Joubert syndrome 17. Last evaluated: 2013-05-31. Review status: criteria provided, single submitter. Criteria: ACMG Guidelines, 2007. Collection method: clinical testing. Allele origin: germline. Inheritance: Autosomal recessive inheritance. Affected: yes.

OMIM
Classification: Pathogenic for JOUBERT SYNDROME 17. Last evaluated: 2012-04-06. Review status: no assertion criteria provided. Collection method: literature only. Allele origin: germline. Not counted in ClinVar's aggregate classification.

Dr. Peter K. Rogan Lab, Western University
No classification provided (evidence only). Condition: Lymphoma. Review status: no classification provided. Collection method: in vitro. Allele origin: not applicable. Functional consequence: skipped exon. Not counted in ClinVar's aggregate classification.

GeneReviews
No classification provided. Condition: Joubert syndrome 17. Review status: no classification provided. Collection method: literature only. Allele origin: germline. Not counted in ClinVar's aggregate classification.

Literature cited by the submitters: PubMed 22425360 (cited by Women's Health and Genetics/Laboratory Corporation of America, LabCorp and OMIM); NCBI Bookshelf NBK1325 (cited by GeneReviews); PubMed 20301500 (cited by GeneReviews).